The following is an entry in ClinVar:

ClinVar aggregate classification (germline): Pathogenic (1 of 4 stars; one submission).

Conditions:
Fucosidosis. Also called: ALPHA-L-FUCOSIDASE DEFICIENCY. Identifiers: Orphanet 349, MedGen C0016788, MONDO:0009254, OMIM 230000.

Submission:

Labcorp Genetics (formerly Invitae), Labcorp
Classification: Pathogenic for Fucosidosis. Last evaluated: 2022-01-22. Review status: criteria provided, single submitter. Criteria: Invitae Variant Classification Sherloc (09022015). Collection method: clinical testing. Allele origin: germline.
Comment: For these reasons, this variant has been classified as Pathogenic. This variant is also known as p.W148X. This premature translational stop signal has been observed in individual(s) with Fucosidosis (PMID: 10496076). This variant is not present in population databases (gnomAD no frequency). This sequence change creates a premature translational stop signal (p.Trp153*) in the FUCA1 gene. It is expected to result in an absent or disrupted protein product. Loss-of-function variants in FUCA1 are known to be pathogenic (PMID: 10094192).

Literature cited by the submitters: PubMed 10496076; PubMed 10094192.

NM_000147.5(FUCA1):c.459G>A (p.Trp153Ter)

Genes: FUCA1 (alpha-L-fucosidase 1; minus strand), LOC126805661 (BRD4-independent group 4 enhancer GRCh37_chr1:24191742-24192941; plus strand). Cytogenetic location: 1p36.11.
Variant type: single nucleotide variant.
Coding change: c.459G>A on transcript NM_000147.5 (MANE Select); coding-DNA position 459, G replaced by A.
Protein change: p.Trp153Ter; replaces tryptophan 153 with a stop codon.
Molecular consequence: nonsense. On other transcripts: non-coding transcript variant (4).
Genome position (GRCh38, 1-based): chr1:23,865,556, C>T on the plus strand (G>A on the coding strand, the complement: FUCA1 is on the minus strand). VCF-style: chr1-23865556-C-T. GRCh37 (hg19) VCF-style: chr1-24192046-C-T.
Other names: short protein forms W153*.
Identifiers: ClinVar variation 2202728 (VCV002202728.4), dbSNP rs2521745643, ClinGen allele CA339007540.
Genomic context (GRCh38, chr1:23,865,556, plus strand): 5'-CCGGAGAGCTGTTCCCAATTCACCAACCAAATCCCGATGAGGCCCCACGTCTTTGGAGTT[C>T]CAGTTCCAAGACACAGGACTCGGCCAGTTTGTGAAGCCTTCGTGATGCTTTGTCGTCAAA-3'